The following is an entry in ClinVar:

NM_020988.3(GNAO1):c.713A>G (p.Asp238Gly)

Gene: GNAO1 (G protein subunit alpha o1; plus strand). Cytogenetic location: 16q13.
Variant type: single nucleotide variant.
Coding change: c.713A>G on transcript NM_020988.3 (MANE Select); coding-DNA position 713, A replaced by G.
Protein change: p.Asp238Gly; replaces aspartic acid 238 with glycine.
Molecular consequence: missense variant.
Genome position (GRCh38, 1-based): chr16:56,336,850, A>G. VCF-style: chr16-56336850-A-G. GRCh37 (hg19) VCF-style: chr16-56370762-A-G.
Other names: c.713A>G, p.Asp238Gly (NM_138736.3); short protein forms D238G.
Identifiers: ClinVar variation 3906531 (VCV003906531.1).

ClinVar aggregate classification (germline): Likely pathogenic (1 of 4 stars; one submission).

Submission:

GeneDx
Classification: Likely pathogenic. Last evaluated: 2024-12-19. Review status: criteria provided, single submitter. Criteria: GeneDx Variant Classification Process June 2021. Collection method: clinical testing. Allele origin: germline. Affected: yes.
Comment: Identified in a patient with torsion dystonia without epilepsy in the published literature; please note, this article is written in Russian (PMID: 36719128); Not observed at significant frequency in large population cohorts (gnomAD); In silico analysis supports that this missense variant has a deleterious effect on protein structure/function; This variant is associated with the following publications: (PMID: 36719128)